The following is an entry in ClinVar:

NM_001127511.3(APC):c.165+20T>C

Gene: APC (APC regulator of Wnt signaling pathway; plus strand). Cytogenetic location: 5q22.2.
Variant type: single nucleotide variant.
Coding change: c.165+20T>C on transcript NM_001127511.3; 20 bases into the intron after coding-DNA position 165, T replaced by C.
Molecular consequence: intron variant.
Genome position (GRCh38, 1-based): chr5:112,707,902, T>C. VCF-style: chr5-112707902-T-C. GRCh37 (hg19) VCF-style: chr5-112043599-T-C.
Other names: c.-1054+20T>C (NM_001407470.1, NM_001407472.1); c.-19+20T>C (NM_001407447.1, NM_001354895.2, NM_001407456.1 and 3 more transcripts); c.165+20T>C (NM_001407446.1, NM_001354897.2, NM_001354902.2); c.-19+253T>C (NM_001407448.1, NM_001407450.1, NM_001407457.1 and 1 more transcripts); c.-43+253T>C (NM_001407453.1).
Identifiers: ClinVar variation 469784 (VCV000469784.9), dbSNP rs1191699028, ClinGen allele CA658655906.

ClinVar aggregate classification (germline): Conflicting classifications of pathogenicity. Review status: criteria provided, conflicting classifications (1 of 4 stars). 2 submissions from 2 submitters: Uncertain significance (1); Likely benign (1). Last evaluated 2026-01-19.

Conditions:
Familial adenomatous polyposis 1 (FAP1). Also called: FAMILIAL ADENOMATOUS POLYPOSIS 1, ATTENUATED; POLYPOSIS, ADENOMATOUS INTESTINAL. Identifiers: MedGen C2713442, MONDO:0021056, OMIM 175100. Disease mechanism: loss of function.

Allele frequency attached by ClinVar (database versions not stated): gnomAD 0.00001; TOPMed below 0.00001.
gnomAD v4.1: 4 of 1,356,924 alleles (0.00029%); highest among the groups gnomAD compares: Admixed American, 0.0089%; no homozygotes.

Submissions (2):

Labcorp Genetics (formerly Invitae), Labcorp
Classification: Uncertain significance for Familial adenomatous polyposis 1. Last evaluated: 2026-01-19. Review status: criteria provided, single submitter. Criteria: Invitae Variant Classification Sherloc (09022015). Collection method: clinical testing. Allele origin: germline.
Comment: This variant occurs in a non-coding region of the APC gene. It does not change the encoded amino acid sequence of the APC protein. This variant is not present in population databases (gnomAD no frequency). This variant has not been reported in the literature in individuals affected with APC-related conditions. ClinVar contains an entry for this variant (Variation ID: 469784). Experimental studies and prediction algorithms are not available or were not evaluated, and the functional significance of this variant is currently unknown. In summary, the available evidence is currently insufficient to determine the role of this variant in disease. Therefore, it has been classified as a Variant of Uncertain Significance.

Blueprint Genetics
Classification: Likely benign. Last evaluated: 2021-02-02. Review status: criteria provided, single submitter. Criteria: ACMG Guidelines, 2015. Collection method: clinical testing. Allele origin: germline.